The following is an entry in ClinVar:

NM_015272.5(RPGRIP1L):c.230+685T>C

Gene: RPGRIP1L (RPGRIP1 like; minus strand). Cytogenetic location: 16q12.2.
Variant type: single nucleotide variant.
Coding change: c.230+685T>C on transcript NM_015272.5 (MANE Select); 685 bases into the intron after coding-DNA position 230, T replaced by C.
Molecular consequence: intron variant.
Genome position (GRCh38, 1-based): chr16:53,695,466, A>G on the plus strand (T>C on the coding strand, the complement: RPGRIP1L is on the minus strand). VCF-style: chr16-53695466-A-G. GRCh37 (hg19) VCF-style: chr16-53729378-A-G.
Other names: c.230+685T>C (NM_001127897.4, NM_001330538.2, NM_001308334.3); c.231-8T>C (NM_001328422.2).
Identifiers: ClinVar variation 3352571 (VCV003352571.1).

ClinVar aggregate classification (germline): Likely benign (0 of 4 stars; one submission).

Conditions:
RPGRIP1L-related disorder. Also called: RPGRIP1L-related condition; RPGRIP1L-related disorders. Identifiers: MedGen CN239416.

gnomAD v4.1: 10 of 702,684 alleles (0.0014%); highest among the groups gnomAD compares: African/African-American, 0.007%; no homozygotes.

Submission:

PreventionGenetics, part of Exact Sciences
Classification: Likely benign for RPGRIP1L-related condition. Last evaluated: 2024-04-16. Review status: no assertion criteria provided. Collection method: clinical testing. Allele origin: germline.
Comment: This variant is classified as likely benign based on ACMG/AMP sequence variant interpretation guidelines (Richards et al. 2015 PMID: 25741868, with internal and published modifications).